The following is an entry in ClinVar:

NC_000009.11:g.(?_12695495)_(12698675_?)del

Gene: TYRP1 (tyrosinase related protein 1; plus strand). Cytogenetic location: 9p23.
Variant type: Deletion.
Identifiers: ClinVar variation 3245286 (VCV003245286.1).

ClinVar aggregate classification (germline): Pathogenic (1 of 4 stars; one submission).

Submission:

Labcorp Genetics (formerly Invitae), Labcorp
Classification: Pathogenic. Last evaluated: 2023-12-01. Review status: criteria provided, single submitter. Criteria: Invitae Variant Classification Sherloc (09022015). Collection method: clinical testing. Allele origin: unknown.
Comment: This variant is a gross deletion of the genomic region encompassing exon(s) 3-4 of the TYRP1 gene. This variant would be expected to be in-frame, preserving the integrity of the reading frame. This variant has not been reported in the literature in individuals affected with TYRP1-related conditions. This variant disrupts a region of the TYRP1 protein in which other variant(s) (p.Cys261_Asp264del) have been determined to be pathogenic (PMID: 18821858, 21739261, 29345414). This suggests that this is a clinically significant region of the protein, and that variants that disrupt it are likely to be disease-causing. For these reasons, this variant has been classified as Pathogenic.

Literature cited by the submitters: PubMed 18821858; PubMed 21739261; PubMed 29345414.